The following is an entry in ClinVar:

ClinVar aggregate classification (germline): Uncertain significance (1 of 4 stars; one submission).

Submission:

CeGaT Center for Human Genetics Tuebingen
Classification: Uncertain significance. Last evaluated: 2024-06-01. Review status: criteria provided, single submitter. Criteria: CeGaT Center For Human Genetics Tuebingen Variant Classification Criteria Version 2. Collection method: clinical testing. Allele origin: germline. Affected: yes. Observed: 1 variant allele.
Comment: ASXL3: PM2, BP4

NM_030632.3(ASXL3):c.4842G>A (p.Met1614Ile)

Gene: ASXL3 (ASXL transcriptional regulator 3; plus strand). Cytogenetic location: 18q12.1.
Variant type: single nucleotide variant.
Coding change: c.4842G>A on transcript NM_030632.3 (MANE Select); coding-DNA position 4842, G replaced by A.
Protein change: p.Met1614Ile; replaces methionine 1614 with isoleucine.
Molecular consequence: missense variant.
Genome position (GRCh38, 1-based): chr18:33,744,690, G>A. VCF-style: chr18-33744690-G-A. GRCh37 (hg19) VCF-style: chr18-31324654-G-A.
Other names: short protein forms M1614I.
Identifiers: ClinVar variation 3250762 (VCV003250762.18), dbSNP rs1221086390.